The following is an entry in ClinVar:

ClinVar aggregate classification (germline): Uncertain significance. Review status: criteria provided, multiple submitters, no conflicts (2 of 4 stars). 2 submissions from 2 submitters: Uncertain significance (2). Last evaluated 2025-08-25.

Conditions:
Inborn genetic diseases. Identifiers: MedGen C0950123, MeSH D030342.
Baller-Gerold syndrome (BGS). Also called: CRANIOSYNOSTOSIS WITH RADIAL DEFECTS. Identifiers: Orphanet 1225, MedGen C0265308, MONDO:0009039, OMIM 218600.

Submissions (2):

Ambry Genetics
Classification: Uncertain significance for Inborn genetic diseases. Last evaluated: 2025-08-25. Review status: criteria provided, single submitter. Criteria: Ambry Variant Classification Scheme 2023. Collection method: clinical testing. Allele origin: germline.
Comment: The p.T722A variant (also known as c.2164A>G), located in coding exon 13 of the RECQL4 gene, results from an A to G substitution at nucleotide position 2164. The threonine at codon 722 is replaced by alanine, an amino acid with similar properties. This amino acid position is conserved. In addition, the in silico prediction for this alteration is inconclusive. Based on the available evidence, the clinical significance of this variant remains unclear.

Labcorp Genetics (formerly Invitae), Labcorp
Classification: Uncertain significance for Baller-Gerold syndrome. Last evaluated: 2023-08-11. Review status: criteria provided, single submitter. Criteria: Invitae Variant Classification Sherloc (09022015). Collection method: clinical testing. Allele origin: germline.
Comment: In summary, the available evidence is currently insufficient to determine the role of this variant in disease. Therefore, it has been classified as a Variant of Uncertain Significance. Advanced modeling of protein sequence and biophysical properties (such as structural, functional, and spatial information, amino acid conservation, physicochemical variation, residue mobility, and thermodynamic stability) has been performed at Invitae for this missense variant, however the output from this modeling did not meet the statistical confidence thresholds required to predict the impact of this variant on RECQL4 protein function. This variant has not been reported in the literature in individuals affected with RECQL4-related conditions. This variant is not present in population databases (gnomAD no frequency). This sequence change replaces threonine, which is neutral and polar, with alanine, which is neutral and non-polar, at codon 722 of the RECQL4 protein (p.Thr722Ala).

NM_004260.4(RECQL4):c.2164A>G (p.Thr722Ala)

Gene: RECQL4 (RecQ like helicase 4; minus strand). Cytogenetic location: 8q24.3.
Variant type: single nucleotide variant.
Coding change: c.2164A>G on transcript NM_004260.4 (MANE Select); coding-DNA position 2164, A replaced by G.
Protein change: p.Thr722Ala; replaces threonine 722 with alanine.
Molecular consequence: missense variant. On other transcripts: non-coding transcript variant (2).
Genome position (GRCh38, 1-based): chr8:144,513,607, T>C on the plus strand (A>G on the coding strand, the complement: RECQL4 is on the minus strand). VCF-style: chr8-144513607-T-C. GRCh37 (hg19) VCF-style: chr8-145738991-T-C.
Other names: c.2068A>G, p.Thr690Ala (NM_001413017.1, NM_001413020.1); c.2164A>G, p.Thr722Ala (NM_001413018.1, NM_001413019.1, NM_001413036.1); c.1093A>G, p.Thr365Ala (NM_001413021.1, NM_001413022.1, NM_001413023.1 and 6 more transcripts); c.2035A>G, p.Thr679Ala (NM_001413025.1); c.1027A>G, p.Thr343Ala (NM_001413027.1, NM_001413030.1, NM_001413041.1 and 1 more transcripts); c.1813A>G, p.Thr605Ala (NM_001413029.1); c.1063A>G, p.Thr355Ala (NM_001413042.1); c.697A>G, p.Thr233Ala (NM_001413043.1); and 5 more; short protein forms T678A, T690A, T722A, T605A, T679A, T712A, T299A, T355A.
Identifiers: ClinVar variation 2751834 (VCV002751834.4), dbSNP rs2538017505, ClinGen allele CA372679686.